The following is an entry in ClinVar:

NM_001353345.2(SETD1B):c.4388C>T (p.Ala1463Val)

Gene: SETD1B (SET domain containing 1B, histone lysine methyltransferase; plus strand). Cytogenetic location: 12q24.31.
Variant type: single nucleotide variant.
Coding change: c.4388C>T on transcript NM_001353345.2 (MANE Select); coding-DNA position 4388, C replaced by T.
Protein change: p.Ala1463Val; replaces alanine 1463 with valine.
Molecular consequence: missense variant.
Genome position (GRCh38, 1-based): chr12:121,822,967, C>T. VCF-style: chr12-121822967-C-T. GRCh37 (hg19) VCF-style: chr12-122260873-C-T.
Other names: short protein forms A1463V.
Identifiers: ClinVar variation 3730877 (VCV003730877.1).
Genomic context (GRCh38, chr12:121,822,967, plus strand): 5'-TGCTCCTGCCCGTCTGCCCACTCCCCACTGGCCGACGCGATGAACGCTCCGGGCCCCTGG[C>T]CTCCCCGGTGCTCCTGGAGACGGGCCTGCCCCTCCCTCTGCCCCTTCCCCTGCCCTTGCC-3'
Protein context (NP_001340274.1, residues 1453-1473): GRRDERSGPL[Ala1463Val]SPVLLETGLP

ClinVar aggregate classification (germline): Uncertain significance (1 of 4 stars; one submission).

gnomAD v4.1: 3 of 1,537,990 alleles (0.0002%); highest among the groups gnomAD compares: African/African-American, 0.0014%; no homozygotes.

Submission:

GeneDx
Classification: Uncertain significance. Last evaluated: 2024-08-13. Review status: criteria provided, single submitter. Criteria: GeneDx Variant Classification Process June 2021. Collection method: clinical testing. Allele origin: germline. Affected: yes.
Comment: Not observed at significant frequency in large population cohorts (gnomAD); In silico analysis supports that this missense variant does not alter protein structure/function; Has not been previously published as pathogenic or benign to our knowledge